The following is an entry in ClinVar:

ClinVar aggregate classification (germline): Uncertain significance (1 of 4 stars; one submission).

Submission:

Labcorp Genetics (formerly Invitae), Labcorp
Classification: Uncertain significance. Last evaluated: 2022-08-10. Review status: criteria provided, single submitter. Criteria: Invitae Variant Classification Sherloc (09022015). Collection method: clinical testing. Allele origin: germline.
Comment: This variant results in a copy number gain of the genomic region encompassing exon(s) 13 of the SI gene. While the exact position of this variant cannot be determined from the data, sub-genic copy number gains are generally in tandem (PMID: 25640679). This variant is predicted to be in-frame, and likely preserves the integrity of the reading frame. This variant has not been reported in the literature in individuals affected with SI-related conditions. Experimental studies and prediction algorithms are not available or were not evaluated, and the functional significance of this variant is currently unknown. In summary, the available evidence is currently insufficient to determine the role of this variant in disease. Therefore, it has been classified as a Variant of Uncertain Significance.

Literature cited by the submitters: PubMed 25640679.

NC_000003.11:g.(?_164772962)_(164773115_?)dup

Gene: SI (sucrase-isomaltase; minus strand). Cytogenetic location: 3q26.1.
Variant type: Duplication.
Identifiers: ClinVar variation 2423559 (VCV002423559.3).